The following is an entry in ClinVar:

ClinVar aggregate classification (germline): Uncertain significance. Review status: criteria provided, multiple submitters, no conflicts (2 of 4 stars). 2 submissions from 2 submitters: Uncertain significance (2). Last evaluated 2025-04-27.

Conditions:
Inborn genetic diseases. Identifiers: MedGen C0950123, MeSH D030342.

gnomAD v4.1: 2 of 1,612,120 alleles (0.00012%); no homozygotes.

Submissions (2):

Labcorp Genetics (formerly Invitae), Labcorp
Classification: Uncertain significance. Last evaluated: 2025-04-27. Review status: criteria provided, single submitter. Criteria: Invitae Variant Classification Sherloc (09022015). Collection method: clinical testing. Allele origin: germline.
Comment: This sequence change replaces lysine, which is basic and polar, with arginine, which is basic and polar, at codon 1374 of the SAMD9L protein (p.Lys1374Arg). This variant is present in population databases (rs753908548, gnomAD 0.01%). This variant has not been reported in the literature in individuals affected with SAMD9L-related conditions. An algorithm developed to predict the effect of missense changes on protein structure and function outputs the following: PolyPhen-2: "Benign". The arginine amino acid residue is found in multiple mammalian species, which suggests that this missense change does not adversely affect protein function. In summary, the available evidence is currently insufficient to determine the role of this variant in disease. Therefore, it has been classified as a Variant of Uncertain Significance.

Ambry Genetics
Classification: Uncertain significance for Inborn genetic diseases. Last evaluated: 2025-03-01. Review status: criteria provided, single submitter. Criteria: Ambry Variant Classification Scheme 2023. Collection method: clinical testing. Allele origin: germline.
Comment: The p.K1374R variant (also known as c.4121A>G), located in coding exon 1 of the SAMD9L gene, results from an A to G substitution at nucleotide position 4121. The lysine at codon 1374 is replaced by arginine, an amino acid with highly similar properties. This amino acid position is conserved. In addition, this alteration is predicted to be tolerated by in silico analysis. Based on the available evidence, the clinical significance of this variant remains unclear.

NM_152703.5(SAMD9L):c.4121A>G (p.Lys1374Arg)

Gene: SAMD9L (sterile alpha motif domain containing 9 like; minus strand). Cytogenetic location: 7q21.2.
Variant type: single nucleotide variant.
Coding change: c.4121A>G on transcript NM_152703.5 (MANE Select); coding-DNA position 4121, A replaced by G.
Protein change: p.Lys1374Arg; replaces lysine 1374 with arginine.
Molecular consequence: missense variant.
Genome position (GRCh38, 1-based): chr7:93,131,851, T>C on the plus strand (A>G on the coding strand, the complement: SAMD9L is on the minus strand). VCF-style: chr7-93131851-T-C. GRCh37 (hg19) VCF-style: chr7-92761164-T-C.
Other names: c.4121A>G, p.Lys1374Arg (NM_001303496.3, NM_001303497.3, NM_001303498.3 and 5 more transcripts); short protein forms K1374R.
Identifiers: ClinVar variation 3792473 (VCV003792473.2).